The following is an entry in ClinVar:

ClinVar aggregate classification (germline): Uncertain significance. Review status: criteria provided, multiple submitters, no conflicts (2 of 4 stars). 2 submissions from 2 submitters: Uncertain significance (2). Last evaluated 2025-08-24.

Conditions:
Inborn genetic diseases. Identifiers: MedGen C0950123, MeSH D030342.
Baller-Gerold syndrome (BGS). Also called: CRANIOSYNOSTOSIS WITH RADIAL DEFECTS. Identifiers: Orphanet 1225, MedGen C0265308, MONDO:0009039, OMIM 218600.

Submissions (2):

Labcorp Genetics (formerly Invitae), Labcorp
Classification: Uncertain significance for Baller-Gerold syndrome. Last evaluated: 2025-08-24. Review status: criteria provided, single submitter. Criteria: Invitae Variant Classification Sherloc (09022015). Collection method: clinical testing. Allele origin: germline.
Comment: This sequence change replaces glutamic acid, which is acidic and polar, with alanine, which is neutral and non-polar, at codon 224 of the RECQL4 protein (p.Glu224Ala). This variant is not present in population databases (gnomAD no frequency). This variant has not been reported in the literature in individuals affected with RECQL4-related conditions. ClinVar contains an entry for this variant (Variation ID: 2979697). Invitae Evidence Modeling of protein sequence and biophysical properties (such as structural, functional, and spatial information, amino acid conservation, physicochemical variation, residue mobility, and thermodynamic stability) indicates that this missense variant is not expected to disrupt RECQL4 protein function with a negative predictive value of 80%. In summary, the available evidence is currently insufficient to determine the role of this variant in disease. Therefore, it has been classified as a Variant of Uncertain Significance.

Ambry Genetics
Classification: Uncertain significance for Inborn genetic diseases. Last evaluated: 2025-01-30. Review status: criteria provided, single submitter. Criteria: Ambry Variant Classification Scheme 2023. Collection method: clinical testing. Allele origin: germline.
Comment: The p.E224A variant (also known as c.671A>C), located in coding exon 5 of the RECQL4 gene, results from an A to C substitution at nucleotide position 671. The glutamic acid at codon 224 is replaced by alanine, an amino acid with dissimilar properties. This amino acid position is conserved. In addition, this alteration is predicted to be tolerated by in silico analysis. Based on the available evidence, the clinical significance of this variant remains unclear.

NM_004260.4(RECQL4):c.671A>C (p.Glu224Ala)

Gene: RECQL4 (RecQ like helicase 4; minus strand). Cytogenetic location: 8q24.3.
Variant type: single nucleotide variant.
Coding change: c.671A>C on transcript NM_004260.4 (MANE Select); coding-DNA position 671, A replaced by C.
Protein change: p.Glu224Ala; replaces glutamic acid 224 with alanine.
Molecular consequence: missense variant. On other transcripts: 5 prime UTR variant (15), non-coding transcript variant (3), intron variant (3).
Genome position (GRCh38, 1-based): chr8:144,516,448, T>G on the plus strand (A>C on the coding strand, the complement: RECQL4 is on the minus strand). VCF-style: chr8-144516448-T-G. GRCh37 (hg19) VCF-style: chr8-145741832-T-G.
Other names: c.671A>C, p.Glu224Ala (NM_001413017.1, NM_001413018.1, NM_001413019.1 and 4 more transcripts); c.-401A>C (NM_001413022.1, NM_001413023.1, NM_001413024.1 and 5 more transcripts); c.542A>C, p.Glu181Ala (NM_001413025.1); c.-463A>C (NM_001413027.1, NM_001413030.1, NM_001413031.1 and 2 more transcripts); c.-305A>C (NM_001413034.1); c.-670A>C (NM_001413043.1); c.355-35A>C (NM_001413029.1); c.-366-35A>C (NM_001413021.1, NM_001413028.1); and 1 more; short protein forms E224A, E181A.
Identifiers: ClinVar variation 2979697 (VCV002979697.4), dbSNP rs1815018832, ClinGen allele CA372689795.
Genomic context (GRCh38, chr8:144,516,448, plus strand): 5'-TCTTGGAAGGCTGAAGCCTCTGGGCCCTGGGAGCCAGCACCAGGACCAAGGACAGCCGAC[T>G]CACCAGGGATCAGAAGTTGTGATTCCTCTGAGCCTAGATCAGGCCTGCAGGCTTTGGGGG-3'
Protein context (NP_004251.4, residues 214-234): SEESQLLIPG[Glu224Ala]SAVLGPGAGS